The following is an entry in ClinVar:

NM_001378778.1(MPDZ):c.356G>C (p.Cys119Ser)

Gene: MPDZ (multiple PDZ domain crumbs cell polarity complex component; minus strand). Cytogenetic location: 9p23.
Variant type: single nucleotide variant.
Coding change: c.356G>C on transcript NM_001378778.1 (MANE Select); coding-DNA position 356, G replaced by C.
Protein change: p.Cys119Ser; replaces cysteine 119 with serine.
Molecular consequence: missense variant.
Genome position (GRCh38, 1-based): chr9:13,224,411, C>G on the plus strand (G>C on the coding strand, the complement: MPDZ is on the minus strand). VCF-style: chr9-13224411-C-G. GRCh37 (hg19) VCF-style: chr9-13224410-C-G.
Other names: c.356G>C (NM_003829.4); c.356G>C, p.Cys119Ser (NM_001261406.2, NM_001261407.2, NM_001330637.2 and 14 more transcripts); short protein forms C119S.
Identifiers: ClinVar variation 1665801 (VCV001665801.31), dbSNP rs201953011, ClinGen allele CA4988149.

ClinVar aggregate classification (germline): Likely benign. Review status: criteria provided, multiple submitters, no conflicts (2 of 4 stars). 3 submissions from 3 submitters: Likely benign (2). 1 of the submissions does not count toward it. Last evaluated 2026-01-18.

Conditions:
MPDZ-related disorder. Also called: MPDZ-related condition.

Allele frequency attached by ClinVar (database versions not stated): gnomAD 0.00056 and 0.00058; TOPMed 0.00058; gnomAD exomes 0.00060 and 0.00066; ESP Exome Variant Server 0.00067; ExAC 0.00076.
gnomAD v4.1: 1,032 of 1,612,572 alleles (0.064%); highest among the groups gnomAD compares: Non-Finnish European, 0.083%; 2 homozygotes.

Submissions (3):

Labcorp Genetics (formerly Invitae), Labcorp
Classification: Likely benign. Last evaluated: 2026-01-18. Review status: criteria provided, single submitter. Criteria: Invitae Variant Classification Sherloc (09022015). Collection method: clinical testing. Allele origin: germline.

CeGaT Center for Human Genetics Tuebingen
Classification: Likely benign. Last evaluated: 2025-12-01. Review status: criteria provided, single submitter. Criteria: CeGaT Center For Human Genetics Tuebingen Variant Classification Criteria Version 2. Collection method: clinical testing. Allele origin: germline. Affected: yes. Observed: 3 variant alleles.
Comment: MPDZ: BP4, BS1

PreventionGenetics, part of Exact Sciences
Classification: Likely benign for MPDZ-related condition. Last evaluated: 2022-06-29. Review status: no assertion criteria provided. Collection method: clinical testing. Allele origin: germline. Not counted in ClinVar's aggregate classification.
Comment: This variant is classified as likely benign based on ACMG/AMP sequence variant interpretation guidelines (Richards et al. 2015 PMID: 25741868, with internal and published modifications).